The following is an entry in ClinVar:

ClinVar aggregate classification (germline): Benign/Likely benign. Review status: criteria provided, multiple submitters, no conflicts (2 of 4 stars). 3 submissions from 3 submitters: Benign (1); Likely benign (2). Last evaluated 2026-05-13.

Conditions:
Hereditary cancer-predisposing syndrome. Also called: Hereditary Cancer Syndrome; Neoplastic Syndromes, Hereditary; Hereditary neoplastic syndrome; Tumor predisposition. Identifiers: Orphanet 140162, MedGen C0027672, MeSH D009386, MONDO:0015356.
Hereditary diffuse gastric adenocarcinoma (HDGC). Also called: DIFFUSE GASTRIC AND LOBULAR BREAST CANCER SYNDROME. Identifiers: Orphanet 26106, MedGen C1708349, MONDO:0007648, OMIM 137215.

Allele frequency attached by ClinVar (database versions not stated): gnomAD exomes below 0.00001.
gnomAD v4.1: 1 of 1,614,054 alleles (0.000062%); highest among the groups gnomAD compares: Admixed American, 0.0017%; no homozygotes.

Submissions (3):

Ambry Genetics
Classification: Likely benign for Hereditary cancer-predisposing syndrome. Last evaluated: 2026-05-13. Review status: criteria provided, single submitter. Criteria: Ambry Variant Classification Scheme 2023. Collection method: clinical testing. Allele origin: germline.

Myriad Genetics, Inc.
Classification: Benign for Hereditary diffuse gastric adenocarcinoma. Last evaluated: 2024-09-19. Review status: criteria provided, single submitter. Criteria: Myriad Autosomal Dominant, Autosomal Recessive and X-Linked Classification Criteria (2023). Collection method: clinical testing. Allele origin: unknown.
Comment: This variant is considered benign. This variant is a silent/synonymous amino acid change and it is not expected to impact splicing.

Labcorp Genetics (formerly Invitae), Labcorp
Classification: Likely benign for Hereditary diffuse gastric adenocarcinoma. Last evaluated: 2024-02-10. Review status: criteria provided, single submitter. Criteria: Invitae Variant Classification Sherloc (09022015). Collection method: clinical testing. Allele origin: germline.

NM_004360.5(CDH1):c.1659T>C (p.Phe553=)

Gene: CDH1 (cadherin 1; plus strand). Cytogenetic location: 16q22.1.
Variant type: single nucleotide variant.
Coding change: c.1659T>C on transcript NM_004360.5 (MANE Select); coding-DNA position 1659, T replaced by C.
Protein change: p.Phe553=; no amino-acid change (phenylalanine 553 retained).
Molecular consequence: synonymous variant. On other transcripts: intron variant (1).
Genome position (GRCh38, 1-based): chr16:68,819,373, T>C. VCF-style: chr16-68819373-T-C. GRCh37 (hg19) VCF-style: chr16-68853276-T-C.
Other names: c.1476T>C, p.Phe492= (NM_001317184.2); c.111T>C, p.Phe37= (NM_001317185.2); c.-254-2628T>C (NM_001317186.2); c.1659T>C (NM_004360.3).
Identifiers: ClinVar variation 1657315 (VCV001657315.10), dbSNP rs1180742144, ClinGen allele CA496154403.